The following is an entry in ClinVar:

ClinVar aggregate classification (germline): Conflicting classifications of pathogenicity. Review status: criteria provided, conflicting classifications (1 of 4 stars). 4 submissions from 4 submitters: Uncertain significance (1); Likely benign (3). Last evaluated 2025-07-08.

Conditions:
Charcot-Marie-Tooth disease type 4B2. Also called: Charcot-Marie-Tooth Neuropathy Type 4B2; CHARCOT-MARIE-TOOTH DISEASE, DEMYELINATING, TYPE 4B2; CHARCOT-MARIE-TOOTH DISEASE, WITH FOCALLY FOLDED MYELIN SHEATHS, AUTOSOMAL RECESSIVE, TYPE 4B2; CMT 4B2. Identifiers: Orphanet 99956, MedGen C1858278, MONDO:0011475, OMIM 604563.
Charcot-Marie-Tooth disease type 4. Also called: Charcot-Marie-Tooth disease, type IV; Charcot-Marie-Tooth, Type 4. Identifiers: Orphanet 64749, MedGen C4082197, MONDO:0018995.
SBF2-related disorder. Also called: SBF2-related condition.

Allele frequency attached by ClinVar (database versions not stated): gnomAD 0.00001 and 0.00002; gnomAD exomes 0.00002 and 0.00006; TOPMed 0.00002; 1000 Genomes Project 30x 0.00031; ExAC 0.00008; 1000 Genomes Project 0.00020.
gnomAD v4.1: 34 of 1,614,052 alleles (0.0021%); highest among the groups gnomAD compares: East Asian, 0.025%; no homozygotes.

Submissions (4):

PreventionGenetics, part of Exact Sciences
Classification: Likely benign for SBF2-related condition. Last evaluated: 2025-07-08. Review status: criteria provided, single submitter. Criteria: ACMG Guidelines, 2015. Collection method: clinical testing. Allele origin: germline.
Comment: This variant is classified as likely benign based on ACMG/AMP sequence variant interpretation guidelines (Richards et al. 2015 PMID: 25741868, with internal and published modifications).

Labcorp Genetics (formerly Invitae), Labcorp
Classification: Likely benign for Charcot-Marie-Tooth disease type 4. Last evaluated: 2025-04-07. Review status: criteria provided, single submitter. Criteria: Invitae Variant Classification Sherloc (09022015). Collection method: clinical testing. Allele origin: germline.

Blueprint Genetics
Classification: Likely benign. Last evaluated: 2023-11-30. Review status: criteria provided, single submitter. Criteria: ACMG Guidelines, 2015. Collection method: clinical testing. Allele origin: germline.

Illumina Laboratory Services, Illumina
Classification: Uncertain significance for Charcot-Marie-Tooth disease type 4B2. Last evaluated: 2018-01-12. Review status: criteria provided, single submitter. Criteria: ICSL Variant Classification Criteria 13 December 2019. Collection method: clinical testing. Allele origin: germline.

NM_030962.4(SBF2):c.2100+7G>A

Genes: SBF2 (SET binding factor 2; minus strand), LOC101928008 (uncharacterized LOC101928008; plus strand). Cytogenetic location: 11p15.4.
Variant type: single nucleotide variant.
Coding change: c.2100+7G>A on transcript NM_030962.4 (MANE Select); 7 bases into the intron after coding-DNA position 2100, G replaced by A.
Molecular consequence: intron variant.
Genome position (GRCh38, 1-based): chr11:9,858,219, C>T on the plus strand (G>A on the coding strand, the complement: SBF2 is on the minus strand). VCF-style: chr11-9858219-C-T. GRCh37 (hg19) VCF-style: chr11-9879766-C-T.
Other names: c.1971+7G>A (NM_001386342.1); c.2100+7G>A (NM_001386339.1).
Identifiers: ClinVar variation 306601 (VCV000306601.14), dbSNP rs370918433, ClinGen allele CA5881643.